The following is an entry in ClinVar:

NM_001613.4(ACTA2):c.259-1G>C

Gene: ACTA2 (actin alpha 2, smooth muscle; minus strand). Cytogenetic location: 10q23.31.
Variant type: single nucleotide variant.
Coding change: c.259-1G>C on transcript NM_001613.4 (MANE Select); the canonical splice acceptor site of the intron before coding-DNA position 259, G replaced by C.
Molecular consequence: splice acceptor variant. On other transcripts: intron variant (1).
Genome position (GRCh38, 1-based): chr10:88,943,908, C>G on the plus strand (G>C on the coding strand, the complement: ACTA2 is on the minus strand). VCF-style: chr10-88943908-C-G. GRCh37 (hg19) VCF-style: chr10-90703665-C-G.
Other names: c.130-1G>C (NM_001406467.1, NM_001406468.1, NM_001406469.1); c.259-1G>C (NM_001320855.2, NM_001406462.1, NM_001406471.1 and 3 more transcripts); c.259-2039G>C (NM_001406466.1).
Identifiers: ClinVar variation 2441652 (VCV002441652.3), dbSNP rs1210919054, ClinGen allele CA377513020.
Genomic context (GRCh38, chr10:88,943,908, plus strand): 5'-CAGGGTGGGATGCTCTTCAGGGGCAACACGAAGCTCATTGTAGAAAGAGTGGTGCCAGAT[C>G]TAGTGAGTTGGGGGACAGAGGAGAAACACAATGATGTGCTGTCATGAGGTCCTGCATTTC-3'

ClinVar aggregate classification (germline): Conflicting classifications of pathogenicity. Review status: criteria provided, conflicting classifications (1 of 4 stars). 2 submissions from 2 submitters: Likely pathogenic (1); Uncertain significance (1). Last evaluated 2024-06-12.

Conditions:
Familial thoracic aortic aneurysm and aortic dissection (TAAD). Also called: Thoracic aortic aneurysms and dissections. Identifiers: Orphanet 91387, MedGen C4707243, MONDO:0019625.
Aortic aneurysm, familial thoracic 6 (AAT6). Also called: FAMILIAL THORACIC AORTIC ANEURYSM WITH LIVEDO RETICULARIS AND IRIS FLOCCULI. Identifiers: MedGen C2673186, MONDO:0012730, OMIM 611788.

Allele frequency attached by ClinVar (database versions not stated): TOPMed below 0.00001; gnomAD 0.00001.
gnomAD v4.1: 1 of 1,613,308 alleles (0.000062%); highest among the groups gnomAD compares: African/African-American, 0.0013%; no homozygotes.

Submissions (2):

Color Diagnostics, LLC DBA Color Health
Classification: Uncertain significance for Familial thoracic aortic aneurysm and aortic dissection. Last evaluated: 2024-06-12. Review status: criteria provided, single submitter. Criteria: ACMG Guidelines, 2015. Collection method: clinical testing. Allele origin: germline.
Comment: This variant alters the intron 3 canonical splice acceptor site of the ACTA2 gene. Splice prediction tools suggest that this variant may disrupt RNA splicing. To our knowledge, RNA studies have not been reported for this variant. This variant has not been reported in individuals affected with ACTA2-related disorders in the literature. This variant has not been identified in the general population by the Genome Aggregation Database (gnomAD). The role of loss-of-function ACTA2 truncation and splice variants in autosomal dominant cardiovascular disorders is not clearly established. The available evidence is insufficient to determine the role of this variant in disease conclusively. Therefore, this variant is classified as a Variant of Uncertain Significance.

Baylor Genetics
Classification: Likely pathogenic for Aortic aneurysm, familial thoracic 6. Last evaluated: 2022-06-03. Review status: criteria provided, single submitter. Criteria: ACMG Guidelines, 2015. Collection method: clinical testing. Allele origin: unknown.